The following is an entry in ClinVar:

NM_003238.6(TGFB2):c.298G>T (p.Ala100Ser)

Gene: TGFB2 (transforming growth factor beta 2; plus strand). Cytogenetic location: 1q41.
Variant type: single nucleotide variant.
Coding change: c.298G>T on transcript NM_003238.6 (MANE Select); coding-DNA position 298, G replaced by T.
Protein change: p.Ala100Ser; replaces alanine 100 with serine.
Molecular consequence: missense variant. On other transcripts: non-coding transcript variant (2).
Genome position (GRCh38, 1-based): chr1:218,346,999, G>T. VCF-style: chr1-218346999-G-T. GRCh37 (hg19) VCF-style: chr1-218520341-G-T.
Other names: c.298G>T, p.Ala100Ser (NM_001135599.4); short protein forms A100S.
Identifiers: ClinVar variation 3367452 (VCV003367452.1).
Genomic context (GRCh38, chr1:218,346,999, plus strand): 5'-GAGAAGGCGAGCCGGAGGGCGGCCGCCTGCGAGCGCGAGAGGAGCGACGAAGAGTACTAC[G>T]CCAAGGAGGTTTACAAAATAGACATGCCGCCCTTCTTCCCCTCCGAAAGTAAGTACTTAT-3'
Protein context (NP_003229.1, residues 90-110): ERERSDEEYY[Ala100Ser]KEVYKIDMPP

ClinVar aggregate classification (germline): Uncertain significance (1 of 4 stars; one submission).

Submission:

GeneDx
Classification: Uncertain significance. Last evaluated: 2023-12-29. Review status: criteria provided, single submitter. Criteria: GeneDx Variant Classification Process June 2021. Collection method: clinical testing. Allele origin: germline. Affected: yes.
Comment: Not observed at significant frequency in large population cohorts (gnomAD); In silico analysis supports that this missense variant has a deleterious effect on protein structure/function; Has not been previously published as pathogenic or benign to our knowledge